The following is an entry in ClinVar:

ClinVar aggregate classification (germline): Uncertain significance (1 of 4 stars; one submission).

Allele frequency attached by ClinVar (database versions not stated): ExAC 0.00014; gnomAD exomes 0.00014; TOPMed 0.00014; gnomAD 0.00015.
gnomAD v4.1: 230 of 1,614,062 alleles (0.014%); highest among the groups gnomAD compares: Admixed American, 0.03%; no homozygotes.

Submission:

Labcorp Genetics (formerly Invitae), Labcorp
Classification: Uncertain significance. Last evaluated: 2024-06-03. Review status: criteria provided, single submitter. Criteria: Invitae Variant Classification Sherloc (09022015). Collection method: clinical testing. Allele origin: germline.
Comment: This sequence change replaces arginine, which is basic and polar, with glutamine, which is neutral and polar, at codon 4564 of the RNF213 protein (p.Arg4564Gln). This variant is present in population databases (rs371619739, gnomAD 0.04%). This variant has not been reported in the literature in individuals affected with RNF213-related conditions. Algorithms developed to predict the effect of missense changes on protein structure and function output the following: SIFT: "Not Available"; PolyPhen-2: "Benign"; Align-GVGD: "Not Available". The glutamine amino acid residue is found in multiple mammalian species, which suggests that this missense change does not adversely affect protein function. In summary, the available evidence is currently insufficient to determine the role of this variant in disease. Therefore, it has been classified as a Variant of Uncertain Significance.

NM_001256071.3(RNF213):c.13691G>A (p.Arg4564Gln)

Genes: RNF213 (ring finger protein 213; plus strand), RNF213-AS1 (RNF213 antisense RNA 1; minus strand). Cytogenetic location: 17q25.3.
Variant type: single nucleotide variant.
Coding change: c.13691G>A on transcript NM_001256071.3 (MANE Select); coding-DNA position 13691, G replaced by A.
Protein change: p.Arg4564Gln; replaces arginine 4564 with glutamine.
Molecular consequence: missense variant.
Genome position (GRCh38, 1-based): chr17:80,380,881, G>A. VCF-style: chr17-80380881-G-A. GRCh37 (hg19) VCF-style: chr17-78354681-G-A.
Other names: c.13838G>A, p.Arg4613Gln (NM_001410195.1, NM_020914.5); short protein forms R4613Q, R4564Q.
Identifiers: ClinVar variation 2906702 (VCV002906702.3), dbSNP rs371619739, ClinGen allele CA8822711.
Genomic context (GRCh38, chr17:80,380,881, plus strand): 5'-TTCTTTCCAGAGACAAGGCAGACAGAACGCAGACCGGCCACGTGCTGGGCAACCCGCAGC[G>A]GAGAGACGTGGTGACATGTGACCGAGGGCTGCCCCCAGTGGTCTTCCTCCTTATCCGGCT-3'
Protein context (NP_001243000.2, residues 4554-4574): QTGHVLGNPQ[Arg4564Gln]RDVVTCDRGL